The following is an entry in ClinVar:

NM_004036.5(ADCY3):c.1222G>A (p.Gly408Arg)

Gene: ADCY3 (adenylate cyclase 3; minus strand). Cytogenetic location: 2p23.3.
Variant type: single nucleotide variant.
Coding change: c.1222G>A on transcript NM_004036.5 (MANE Select); coding-DNA position 1222, G replaced by A.
Protein change: p.Gly408Arg; replaces glycine 408 with arginine.
Molecular consequence: missense variant.
Genome position (GRCh38, 1-based): chr2:24,840,006, C>T on the plus strand (G>A on the coding strand, the complement: ADCY3 is on the minus strand). VCF-style: chr2-24840006-C-T. GRCh37 (hg19) VCF-style: chr2-25062875-C-T.
Other names: c.1222G>A, p.Gly408Arg (NM_001320613.2, NM_001377128.1, NM_001377129.1 and 2 more transcripts); c.499G>A, p.Gly167Arg (NM_001377131.1); short protein forms G167R, G408R.
Identifiers: ClinVar variation 2637347 (VCV002637347.5), dbSNP rs201606553, ClinGen allele CA1554238.
Genomic context (GRCh38, chr2:24,840,006, plus strand): 5'-TCTGGCCCAGGACGCCCCCCAGCACGGTGCCCGTGTGCACCCCCACACGCATGTCCACCC[C>T]AGTCTTGGTCTTCTCCCGCACATACCTGCCAGGTACACACAGAAAGGAGGGTCAGGGTGT-3'
Protein context (NP_004027.2, residues 398-418): ISYVREKTKT[Gly408Arg]VDMRVGVHTG

ClinVar aggregate classification (germline): Uncertain significance. Review status: criteria provided, multiple submitters, no conflicts (2 of 4 stars). 2 submissions from 2 submitters: Uncertain significance (2). Last evaluated 2026-04-03.

Conditions:
ADCY3-related disorder. Also called: ADCY3-related condition.

Allele frequency attached by ClinVar (database versions not stated): ESP Exome Variant Server 0.00008; gnomAD exomes 0.00009; ExAC 0.00014; gnomAD 0.00035; 1000 Genomes Project 30x 0.00062; TOPMed 0.00063; 1000 Genomes Project 0.00080.
gnomAD v4.1: 205 of 1,613,064 alleles (0.013%); highest among the groups gnomAD compares: Middle Eastern, 0.78%; 2 homozygotes.

Submissions (2):

PreventionGenetics, part of Exact Sciences
Classification: Uncertain significance for ADCY3-related condition. Last evaluated: 2026-04-03. Review status: criteria provided, single submitter. Criteria: ACMG Guidelines, 2015. Collection method: clinical testing. Allele origin: germline.
Comment: The ADCY3 c.1222G>A variant is predicted to result in the amino acid substitution p.Gly408Arg. This variant was reported in the heterozygous state in three individuals with obesity; however, a second potentially causative variant was not identified (Manco et al. 2023. PubMed ID: 36775011; Mohammed et al. 2023. PubMed ID: 37329217). This variant is reported in 0.029% of alleles in individuals of South Asian descent in gnomAD. At this time, the clinical significance of this variant is uncertain due to the absence of conclusive functional and genetic evidence.

Blueprint Genetics
Classification: Uncertain significance. Last evaluated: 2024-11-18. Review status: criteria provided, single submitter. Criteria: ACMG Guidelines, 2015. Collection method: clinical testing. Allele origin: germline.